The following is an entry in ClinVar:

ClinVar aggregate classification (germline): Likely benign. Review status: criteria provided, multiple submitters, no conflicts (2 of 4 stars). 2 submissions from 2 submitters: Likely benign (2). Last evaluated 2025-04-01.

Conditions:
Infantile myofibromatosis (IMF). Also called: Congenital generalized fibromatosis. Identifiers: Orphanet 2591, MedGen C0432284, MONDO:0016824.
Skeletal overgrowth-craniofacial dysmorphism-hyperelastic skin-white matter lesions syndrome. Also called: SKELETAL OVERGROWTH WITH FACIAL DYSMORPHISM, HYPERELASTIC SKIN, WHITE MATTER LESIONS, AND NEUROLOGIC DETERIORATION; Kosaki overgrowth syndrome. Identifiers: Orphanet 477831, MedGen C4225270, MONDO:0014704, OMIM 616592.
Basal ganglia calcification, idiopathic, 4 (PFBC4). Also called: Familial Idiopathic Basal Ganglia Calcification 4; PRIMARY FAMILIAL BRAIN CALCIFICATION 4, AUTOSOMAL DOMINANT. Identifiers: Orphanet 1980, MedGen C3554321, MONDO:0014004, OMIM 615007.
Acroosteolysis-keloid-like lesions-premature aging syndrome. Also called: Premature aging syndrome, Penttinen type; Prematurely aged appearance, delayed bone maturation, acro-osteolysis, and brachydactyly; Progeroid syndrome, Penttinen type. Identifiers: Orphanet 363665, MedGen C1866182, MONDO:0011150, OMIM 601812.

gnomAD v4.1: 11 of 1,592,610 alleles (0.00069%); highest among the groups gnomAD compares: South Asian, 0.0022%; no homozygotes.

Submissions (2):

CeGaT Center for Human Genetics Tuebingen
Classification: Likely benign. Last evaluated: 2025-04-01. Review status: criteria provided, single submitter. Criteria: CeGaT Center For Human Genetics Tuebingen Variant Classification Criteria Version 2. Collection method: clinical testing. Allele origin: germline. Affected: yes. Observed: 1 variant allele.
Comment: PDGFRB: BP4, BP7

Labcorp Genetics (formerly Invitae), Labcorp
Classification: Likely benign for Basal ganglia calcification, idiopathic, 4; Skeletal overgrowth-craniofacial dysmorphism-hyperelastic skin-white matter lesions syndrome; Infantile myofibromatosis; Acroosteolysis-keloid-like lesions-premature aging syndrome. Last evaluated: 2023-01-07. Review status: criteria provided, single submitter. Criteria: Invitae Variant Classification Sherloc (09022015). Collection method: clinical testing. Allele origin: germline.

NM_002609.4(PDGFRB):c.1332G>A (p.Pro444=)

Gene: PDGFRB (platelet derived growth factor receptor beta; minus strand). Cytogenetic location: 5q32.
Variant type: single nucleotide variant.
Coding change: c.1332G>A on transcript NM_002609.4 (MANE Select); coding-DNA position 1332, G replaced by A.
Protein change: p.Pro444=; no amino-acid change (proline 444 retained).
Molecular consequence: synonymous variant.
Genome position (GRCh38, 1-based): chr5:150,130,574, C>T on the plus strand (G>A on the coding strand, the complement: PDGFRB is on the minus strand). VCF-style: chr5-150130574-C-T. GRCh37 (hg19) VCF-style: chr5-149510137-C-T.
Other names: c.1140G>A, p.Pro380= (NM_001355016.2); c.849G>A, p.Pro283= (NM_001355017.2).
Identifiers: ClinVar variation 2195268 (VCV002195268.11), dbSNP rs751959209, ClinGen allele CA129066311.